The following is an entry in ClinVar:

ClinVar aggregate classification (germline): Likely benign. Review status: criteria provided, multiple submitters, no conflicts (2 of 4 stars). 3 submissions from 3 submitters: Likely benign (3). Last evaluated 2026-01-15.

Conditions:
AP3D1-related disorder. Also called: AP3D1-related condition.

Allele frequency attached by ClinVar (database versions not stated): gnomAD 0.00001 and 0.00004; TOPMed 0.00001.
gnomAD v4.1: 176 of 1,608,040 alleles (0.011%); highest among the groups gnomAD compares: South Asian, 0.18%; 3 homozygotes.

Submissions (3):

Labcorp Genetics (formerly Invitae), Labcorp
Classification: Likely benign. Last evaluated: 2026-01-15. Review status: criteria provided, single submitter. Criteria: Invitae Variant Classification Sherloc (09022015). Collection method: clinical testing. Allele origin: germline.

PreventionGenetics, part of Exact Sciences
Classification: Likely benign for AP3D1-related condition. Last evaluated: 2025-01-15. Review status: criteria provided, single submitter. Criteria: ACMG Guidelines, 2015. Collection method: clinical testing. Allele origin: germline.
Comment: This variant is classified as likely benign based on ACMG/AMP sequence variant interpretation guidelines (Richards et al. 2015 PMID: 25741868, with internal and published modifications).

Breakthrough Genomics
Classification: Likely benign. Review status: criteria provided, single submitter. Criteria: ACMG Guidelines, 2015. Collection method: not provided. Allele origin: germline. Inheritance: Autosomal recessive inheritance. Affected: yes.

NM_001261826.3(AP3D1):c.3472G>A (p.Val1158Ile)

Gene: AP3D1 (adaptor related protein complex 3 subunit delta 1; minus strand). Cytogenetic location: 19p13.3.
Variant type: single nucleotide variant.
Coding change: c.3472G>A on transcript NM_001261826.3 (MANE Select); coding-DNA position 3472, G replaced by A.
Protein change: p.Val1158Ile; replaces valine 1158 with isoleucine.
Molecular consequence: missense variant.
Genome position (GRCh38, 1-based): chr19:2,109,086, C>T on the plus strand (G>A on the coding strand, the complement: AP3D1 is on the minus strand). VCF-style: chr19-2109086-C-T. GRCh37 (hg19) VCF-style: chr19-2109085-C-T.
Other names: c.3436G>A, p.Val1146Ile (NM_001374799.1); c.3286G>A, p.Val1096Ile (NM_003938.8); c.3472G>A (NM_001261826.1); short protein forms V1096I, V1146I, V1158I.
Identifiers: ClinVar variation 1580212 (VCV001580212.10), dbSNP rs762878489, ClinGen allele CA9058385.
Genomic context (GRCh38, chr19:2,109,086, plus strand): 5'-GGGACAGCTGCCGCGTGCGTGAAAGCCCCGTGCAATCCATCAGCCCCTCACTCTCCTTAC[C>T]GGAAAAATGGTGGTGAAAACAGATCTTCGCCAGAAGATTCTGGAAGGACATCCGAATGCC-3'
Protein context (NP_001248755.1, residues 1148-1168): AKICFHHHFS[Val1158Ile]VERVDSCASM